The following is an entry in ClinVar:

NM_005996.4(TBX3):c.1506C>T (p.Pro502=)

Gene: TBX3 (T-box transcription factor 3; minus strand). Cytogenetic location: 12q24.21.
Variant type: single nucleotide variant.
Coding change: c.1506C>T on transcript NM_005996.4 (MANE Select); coding-DNA position 1506, C replaced by T.
Protein change: p.Pro502=; no amino-acid change (proline 502 retained).
Molecular consequence: synonymous variant.
Genome position (GRCh38, 1-based): chr12:114,674,369, G>A on the plus strand (C>T on the coding strand, the complement: TBX3 is on the minus strand). VCF-style: chr12-114674369-G-A. GRCh37 (hg19) VCF-style: chr12-115112174-G-A.
Other names: c.1566C>T (NM_016569.3); c.1566C>T, p.Pro522= (NM_016569.4).
Identifiers: ClinVar variation 2066077 (VCV002066077.6), dbSNP rs769176015, ClinGen allele CA6809908.

ClinVar aggregate classification (germline): Likely benign. Review status: criteria provided, single submitter (1 of 4 stars). 2 submissions from 2 submitters: Likely benign (1). 1 of the submissions does not count toward it. Last evaluated 2025-02-06.

Conditions:
TBX3-related disorder. Also called: TBX3-related condition.
Ulnar-mammary syndrome (UMS). Also called: Ulnar-mammary syndrome of Pallister; PALLISTER ULNAR-MAMMARY SYNDROME; SCHINZEL SYNDROME. Identifiers: Orphanet 3138, MedGen C1866994, MONDO:0008411, OMIM 181450.

Allele frequency attached by ClinVar (database versions not stated): gnomAD 0.00003; gnomAD exomes 0.00003; TOPMed 0.00005; ExAC 0.00007.
gnomAD v4.1: 50 of 1,554,808 alleles (0.0032%); highest among the groups gnomAD compares: Non-Finnish European, 0.0037%; no homozygotes.

Submissions (2):

Labcorp Genetics (formerly Invitae), Labcorp
Classification: Likely benign for Ulnar-mammary syndrome. Last evaluated: 2025-02-06. Review status: criteria provided, single submitter. Criteria: Invitae Variant Classification Sherloc (09022015). Collection method: clinical testing. Allele origin: germline.

PreventionGenetics, part of Exact Sciences
Classification: Likely benign for TBX3-related condition. Last evaluated: 2023-09-05. Review status: no assertion criteria provided. Collection method: clinical testing. Allele origin: germline. Not counted in ClinVar's aggregate classification.
Comment: This variant is classified as likely benign based on ACMG/AMP sequence variant interpretation guidelines (Richards et al. 2015 PMID: 25741868, with internal and published modifications).